The following is an entry in ClinVar:

ClinVar aggregate classification (germline): Uncertain significance. Review status: criteria provided, multiple submitters, no conflicts (2 of 4 stars). 2 submissions from 2 submitters: Uncertain significance (2). Last evaluated 2025-12-13.

Conditions:
Hereditary cancer-predisposing syndrome. Also called: Tumor predisposition; Neoplastic Syndromes, Hereditary; Hereditary Cancer Syndrome; Hereditary neoplastic syndrome. Identifiers: Orphanet 140162, MedGen C0027672, MeSH D009386, MONDO:0015356.
Ataxia-telangiectasia syndrome (AT). Also called: Cerebello-oculocutaneous telangiectasia; Immunodeficiency with ataxia telangiectasia; ATAXIA-TELANGIECTASIA, COMPLEMENTATION GROUP A; Ataxia-telangiectasia, complementation group D; AT, COMPLEMENTATION GROUP C; ATAXIA-TELANGIECTASIA, FRESNO VARIANT. Identifiers: Orphanet 100, MedGen C0004135, MONDO:0008840, OMIM 208900.

Submissions (2):

Labcorp Genetics (formerly Invitae), Labcorp
Classification: Uncertain significance for Ataxia-telangiectasia syndrome. Last evaluated: 2025-12-13. Review status: criteria provided, single submitter. Criteria: Invitae Variant Classification Sherloc (09022015). Collection method: clinical testing. Allele origin: germline.
Comment: This sequence change replaces tyrosine, which is neutral and polar, with cysteine, which is neutral and slightly polar, at codon 1763 of the ATM protein (p.Tyr1763Cys). This variant is not present in population databases (gnomAD no frequency). This variant has not been reported in the literature in individuals affected with ATM-related conditions. ClinVar contains an entry for this variant (Variation ID: 478975). Invitae Evidence Modeling of protein sequence and biophysical properties (such as structural, functional, and spatial information, amino acid conservation, physicochemical variation, residue mobility, and thermodynamic stability) indicates that this missense variant is expected to disrupt ATM protein function with a positive predictive value of 95%. In summary, the available evidence is currently insufficient to determine the role of this variant in disease. Therefore, it has been classified as a Variant of Uncertain Significance.

Ambry Genetics
Classification: Uncertain significance for Hereditary cancer-predisposing syndrome. Last evaluated: 2023-12-21. Review status: criteria provided, single submitter. Criteria: Ambry Variant Classification Scheme 2023. Collection method: clinical testing. Allele origin: germline.
Comment: The p.Y1763C variant (also known as c.5288A>G), located in coding exon 34 of the ATM gene, results from an A to G substitution at nucleotide position 5288. The tyrosine at codon 1763 is replaced by cysteine, an amino acid with highly dissimilar properties. This amino acid position is highly conserved in available vertebrate species. In addition, this alteration is predicted to be deleterious by in silico analysis. Since supporting evidence is limited at this time, the clinical significance of this alteration remains unclear.

NM_000051.4(ATM):c.5288A>G (p.Tyr1763Cys)

Gene: ATM (ATM serine/threonine kinase; plus strand). Cytogenetic location: 11q22.3.
Variant type: single nucleotide variant.
Coding change: c.5288A>G on transcript NM_000051.4 (MANE Select); coding-DNA position 5288, A replaced by G.
Protein change: p.Tyr1763Cys; replaces tyrosine 1763 with cysteine.
Molecular consequence: missense variant.
Genome position (GRCh38, 1-based): chr11:108,301,758, A>G. VCF-style: chr11-108301758-A-G. GRCh37 (hg19) VCF-style: chr11-108172485-A-G.
Other names: c.5288A>G, p.Tyr1763Cys (NM_001351834.2); short protein forms Y1763C.
Identifiers: ClinVar variation 478975 (VCV000478975.13), dbSNP rs1555105780, ClinGen allele CA382542677.